The following is an entry in ClinVar:

ClinVar aggregate classification (germline): Benign. Review status: criteria provided, single submitter (1 of 4 stars). 2 submissions from 2 submitters: Benign (1). 1 of the submissions does not count toward it. Last evaluated 2025-08-13.

Conditions:
CENPF-related disorder. Also called: CENPF-related condition.

Allele frequency attached by ClinVar (database versions not stated): 1000 Genomes Project 0.00060; 1000 Genomes Project 30x 0.00062.
gnomAD v4.1: 500 of 1,614,006 alleles (0.031%); highest among the groups gnomAD compares: South Asian, 0.48%; 5 homozygotes.

Submissions (2):

Labcorp Genetics (formerly Invitae), Labcorp
Classification: Benign. Last evaluated: 2025-08-13. Review status: criteria provided, single submitter. Criteria: Invitae Variant Classification Sherloc (09022015). Collection method: clinical testing. Allele origin: germline.

PreventionGenetics, part of Exact Sciences
Classification: Likely benign for CENPF-related condition. Last evaluated: 2023-09-15. Review status: no assertion criteria provided. Collection method: clinical testing. Allele origin: germline. Not counted in ClinVar's aggregate classification.
Comment: This variant is classified as likely benign based on ACMG/AMP sequence variant interpretation guidelines (Richards et al. 2015 PMID: 25741868, with internal and published modifications).

NM_016343.4(CENPF):c.5636G>A (p.Arg1879His)

Gene: CENPF (centromere protein F; plus strand). Cytogenetic location: 1q41.
Variant type: single nucleotide variant.
Coding change: c.5636G>A on transcript NM_016343.4 (MANE Select); coding-DNA position 5636, G replaced by A.
Protein change: p.Arg1879His; replaces arginine 1879 with histidine.
Molecular consequence: missense variant.
Genome position (GRCh38, 1-based): chr1:214,645,206, G>A. VCF-style: chr1-214645206-G-A. GRCh37 (hg19) VCF-style: chr1-214818549-G-A.
Other names: short protein forms R1879H.
Identifiers: ClinVar variation 3054661 (VCV003054661.3), dbSNP rs555193833, ClinGen allele CA1390818.